The following is an entry in ClinVar:

ClinVar aggregate classification (germline): Uncertain significance (1 of 4 stars; one submission).

Conditions:
Hereditary cancer-predisposing syndrome. Also called: Neoplastic Syndromes, Hereditary; Tumor predisposition; Hereditary Cancer Syndrome; Hereditary neoplastic syndrome. Identifiers: Orphanet 140162, MedGen C0027672, MeSH D009386, MONDO:0015356.

gnomAD v4.1: 1 of 1,614,234 alleles (0.000062%); highest among the groups gnomAD compares: Non-Finnish European, 0.000085%; no homozygotes.

Submission:

Ambry Genetics
Classification: Uncertain significance for Hereditary cancer-predisposing syndrome. Last evaluated: 2025-07-23. Review status: criteria provided, single submitter. Criteria: Ambry Variant Classification Scheme 2023. Collection method: clinical testing. Allele origin: germline.
Comment: The p.N1626S variant (also known as c.4877A>G), located in coding exon 14 of the BRCA1 gene, results from an A to G substitution at nucleotide position 4877. The asparagine at codon 1626 is replaced by serine, an amino acid with highly similar properties. This amino acid position is not well conserved in available vertebrate species. In addition, this alteration is predicted to be tolerated by in silico analysis. Based on the available evidence, the clinical significance of this variant remains unclear.

NM_007294.4(BRCA1):c.4877A>G (p.Asn1626Ser)

Gene: BRCA1 (BRCA1 DNA repair associated; minus strand). Cytogenetic location: 17q21.31.
Variant type: single nucleotide variant.
Coding change: c.4877A>G on transcript NM_007294.4 (MANE Select); coding-DNA position 4877, A replaced by G.
Protein change: p.Asn1626Ser; replaces asparagine 1626 with serine.
Molecular consequence: missense variant. On other transcripts: intron variant (1).
Genome position (GRCh38, 1-based): chr17:43,071,037, T>C on the plus strand (A>G on the coding strand, the complement: BRCA1 is on the minus strand). VCF-style: chr17-43071037-T-C. GRCh37 (hg19) VCF-style: chr17-41223054-T-C.
Other names: c.1442A>G, p.Asn481Ser (NM_001408439.1, NM_001408440.1, NM_001408441.1 and 10 more transcripts); c.1427A>G, p.Asn476Ser (NM_001408453.1, NM_001408454.1, NM_001408455.1 and 3 more transcripts); c.1424A>G, p.Asn475Ser (NM_001408459.1, NM_001408458.1, NM_001408460.1 and 7 more transcripts); c.1568A>G, p.Asn523Ser (NM_001407975.1, NM_001407976.1, NM_001407977.1 and 3 more transcripts); c.1565A>G, p.Asn522Ser (NM_001407979.1, NM_001407980.1, NM_001407981.1 and 12 more transcripts); c.1562A>G, p.Asn521Ser (NM_001408398.1, NM_001408399.1, NM_001408400.1 and 8 more transcripts); c.1559A>G, p.Asn520Ser (NM_001408406.1, NM_001408407.1, NM_001408408.1); c.1367A>G, p.Asn456Ser (NM_001408474.1); and 71 more; short protein forms N1497S, N1514S, N1515S, N1559S, N1577S, N1582S, N1599S, N1623S.
Identifiers: ClinVar variation 4215078 (VCV004215078.1).
Genomic context (GRCh38, chr17:43,071,037, plus strand): 5'-ACCCTTTCTGTTGAAGCTGTCAATTCTGGCTTCTCCCTGCTCACACTTTCTTCCATTGCA[T>C]TATACCCAGCAGTATCAGTAGTATGAGCAGCAGCTGGACTCTGGGCAGATTCTGCAACTT-3'
Protein context (NP_009225.1, residues 1616-1636): AAHTTDTAGY[Asn1626Ser]AMEESVSREK